The following is an entry in ClinVar:

NM_005912.3(MC4R):c.831T>A (p.Cys277Ter)

Gene: MC4R (melanocortin 4 receptor; minus strand). Cytogenetic location: 18q21.32.
Variant type: single nucleotide variant.
Coding change: c.831T>A on transcript NM_005912.3 (MANE Select); coding-DNA position 831, T replaced by A.
Protein change: p.Cys277Ter; replaces cysteine 277 with a stop codon.
Molecular consequence: nonsense.
Genome position (GRCh38, 1-based): chr18:60,371,519, A>T on the plus strand (T>A on the coding strand, the complement: MC4R is on the minus strand). VCF-style: chr18-60371519-A-T. GRCh37 (hg19) VCF-style: chr18-58038752-A-T.
Other names: short protein forms C277*.
Identifiers: ClinVar variation 1323269 (VCV001323269.6), dbSNP rs769342968, ClinGen allele CA8980829.
Genomic context (GRCh38, chr18:60,371,519, plus strand): 5'-GATGATTGAATTACACATGATCAGTATGAGATACAAGTTAAAGTGAGACATGAAGCACAC[A>T]CAATATGGATTCTGAGGACAAGAGATGTAGAATATTAAGTGGAGGAAGAATGGGGCCCAG-3'

ClinVar aggregate classification (germline): Conflicting classifications of pathogenicity. Review status: criteria provided, conflicting classifications (1 of 4 stars). 2 submissions from 2 submitters: Pathogenic (1); Uncertain significance (1). Last evaluated 2020-03-05.

Conditions:
BODY MASS INDEX QUANTITATIVE TRAIT LOCUS 20 (BMIQ20). Also called: MELANOCORTIN 4 RECEPTOR DEFICIENCY; MC4R DEFICIENCY. Identifiers: MedGen C4759928, OMIM 618406.

Allele frequency attached by ClinVar (database versions not stated): ExAC 0.00001; gnomAD exomes 0.00001 and 0.00003; TOPMed 0.00002.

Submissions (2):

Revvity Omics, Revvity
Classification: Pathogenic for BODY MASS INDEX QUANTITATIVE TRAIT LOCUS 20. Last evaluated: 2020-03-05. Review status: criteria provided, single submitter. Criteria: ACMG Guidelines, 2015. Collection method: clinical testing. Allele origin: germline.

Juno Genomics, Hangzhou Juno Genomics, Inc
Classification: Uncertain significance for BODY MASS INDEX QUANTITATIVE TRAIT LOCUS 20. Review status: criteria provided, single submitter. Criteria: ACMG Guidelines, 2015. Collection method: clinical testing. Allele origin: germline.
Comment: Absent from controls (or at extremely low frequency if recessive) in Genome Aggregation Database.;The prevalence of the variant in affected individuals is significantly increased compared to the prevalence in controls.;For recessive disorders, detected in trans with a pathogenic variant.